The following is an entry in ClinVar:

ClinVar aggregate classification (germline): Uncertain significance (1 of 4 stars; one submission).

Conditions:
Charcot-Marie-Tooth disease type 2E (CMT2E). Also called: CHARCOT-MARIE-TOOTH DISEASE, AXONAL, TYPE 2E; CHARCOT-MARIE-TOOTH NEUROPATHY, TYPE 2E. Identifiers: Orphanet 99939, MedGen C1843225, MONDO:0011894, OMIM 607684.

Submission:

Labcorp Genetics (formerly Invitae), Labcorp
Classification: Uncertain significance for Charcot-Marie-Tooth disease type 2E. Last evaluated: 2023-04-29. Review status: criteria provided, single submitter. Criteria: Invitae Variant Classification Sherloc (09022015). Collection method: clinical testing. Allele origin: germline.
Comment: In summary, the available evidence is currently insufficient to determine the role of this variant in disease. Therefore, it has been classified as a Variant of Uncertain Significance. Advanced modeling of protein sequence and biophysical properties (such as structural, functional, and spatial information, amino acid conservation, physicochemical variation, residue mobility, and thermodynamic stability) has been performed at Invitae for this missense variant, however the output from this modeling did not meet the statistical confidence thresholds required to predict the impact of this variant on NEFL protein function. This variant has not been reported in the literature in individuals affected with NEFL-related conditions. This variant is not present in population databases (gnomAD no frequency). This sequence change replaces tryptophan, which is neutral and slightly polar, with leucine, which is neutral and non-polar, at codon 279 of the NEFL protein (p.Trp279Leu).

NM_006158.5(NEFL):c.836G>T (p.Trp279Leu)

Gene: NEFL (neurofilament light chain; minus strand). Cytogenetic location: 8p21.2.
Variant type: single nucleotide variant.
Coding change: c.836G>T on transcript NM_006158.5 (MANE Select); coding-DNA position 836, G replaced by T.
Protein change: p.Trp279Leu; replaces tryptophan 279 with leucine.
Molecular consequence: missense variant.
Genome position (GRCh38, 1-based): chr8:24,955,680, C>A on the plus strand (G>T on the coding strand, the complement: NEFL is on the minus strand). VCF-style: chr8-24955680-C-A. GRCh37 (hg19) VCF-style: chr8-24813194-C-A.
Other names: short protein forms W279L.
Identifiers: ClinVar variation 2860579 (VCV002860579.3), dbSNP rs2486886171, ClinGen allele CA370621515.
Genomic context (GRCh38, chr8:24,955,680, plus strand): 5'-CGCACGGCGTCGGTGTTCTTGGCGGCGCTCTCGGTCAGCACGGTGAAGCGGCTCTTGAAC[C>A]ATTCCTCAGCGTTCTGCATGTTCTTGGCGGCCAGCTTCTCGTACTGCGCGCGGATGTCCT-3'
Protein context (NP_006149.2, residues 269-289): AAKNMQNAEE[Trp279Leu]FKSRFTVLTE